The following is an entry in ClinVar:

ClinVar aggregate classification (germline): Uncertain significance. Review status: criteria provided, multiple submitters, no conflicts (2 of 4 stars). 2 submissions from 2 submitters: Uncertain significance (2). Last evaluated 2025-03-08.

Conditions:
Inborn genetic diseases. Identifiers: MedGen C0950123, MeSH D030342.

Allele frequency attached by ClinVar (database versions not stated): gnomAD exomes 0.00001; gnomAD 0.00009; 1000 Genomes Project 0.00020.
gnomAD v4.1: 28 of 1,376,812 alleles (0.002%); highest among the groups gnomAD compares: African/African-American, 0.037%; no homozygotes.

Submissions (2):

Ambry Genetics
Classification: Uncertain significance for Inborn genetic diseases. Last evaluated: 2025-03-08. Review status: criteria provided, single submitter. Criteria: Ambry Variant Classification Scheme 2023. Collection method: clinical testing. Allele origin: germline.

Labcorp Genetics (formerly Invitae), Labcorp
Classification: Uncertain significance. Last evaluated: 2022-11-29. Review status: criteria provided, single submitter. Criteria: Invitae Variant Classification Sherloc (09022015). Collection method: clinical testing. Allele origin: germline.
Comment: In summary, the available evidence is currently insufficient to determine the role of this variant in disease. Therefore, it has been classified as a Variant of Uncertain Significance. Algorithms developed to predict the effect of missense changes on protein structure and function are either unavailable or do not agree on the potential impact of this missense change (SIFT: "Tolerated"; PolyPhen-2: "Not Available"; Align-GVGD: "Class C0"). This variant has not been reported in the literature in individuals affected with DNAH9-related conditions. This variant is present in population databases (rs555429163, gnomAD 0.03%). This sequence change replaces leucine, which is neutral and non-polar, with phenylalanine, which is neutral and non-polar, at codon 3 of the DNAH9 protein (p.Leu3Phe).

NM_001372.4(DNAH9):c.7C>T (p.Leu3Phe)

Gene: DNAH9 (dynein axonemal heavy chain 9; plus strand). Cytogenetic location: 17p12.
Variant type: single nucleotide variant.
Coding change: c.7C>T on transcript NM_001372.4 (MANE Select); coding-DNA position 7, C replaced by T.
Protein change: p.Leu3Phe; replaces leucine 3 with phenylalanine.
Molecular consequence: missense variant.
Genome position (GRCh38, 1-based): chr17:11,598,505, C>T. VCF-style: chr17-11598505-C-T. GRCh37 (hg19) VCF-style: chr17-11501822-C-T.
Other names: c.7C>T (NM_001372.3); short protein forms L3F.
Identifiers: ClinVar variation 2200783 (VCV002200783.4), dbSNP rs555429163, ClinGen allele CA8394441.